The following is an entry in ClinVar:

ClinVar aggregate classification (germline): Uncertain significance (1 of 4 stars; one submission).

Conditions:
Hypercholesterolemia, autosomal dominant, 3 (FHCL3). Also called: PCSK9-Related Familial Hypercholesterolemia, Autosomal Dominant; Familial Hypercholesterolemia, Autosomal Dominant, 3; Familial hypercholesterolemia 3. Identifiers: MedGen C1863551, MONDO:0011369, OMIM 603776.

Submission:

All of Us Research Program, National Institutes of Health
Classification: Uncertain significance for Hypercholesterolemia, autosomal dominant, 3. Last evaluated: 2023-04-10. Review status: criteria provided, single submitter. Criteria: ACMG Guidelines, 2015. Collection method: clinical testing. Allele origin: germline. Inheritance: Autosomal dominant inheritance. Observed: 1 variant allele, 1 heterozygote.
Comment: This missense variant replaces threonine with alanine at codon 459 of the PCSK9 protein. Computational prediction suggests that this variant may not impact protein structure and function (internally defined REVEL score threshold <= 0.5, PMID: 27666373). To our knowledge, functional studies have not been reported for this variant. This variant has not been reported in individuals affected with PCSK9-related disorders in the literature. This variant has not been identified in the general population by the Genome Aggregation Database (gnomAD). The available evidence is insufficient to determine the role of this variant in disease conclusively. Therefore, this variant is classified as a Variant of Uncertain Significance.

This study involves interpretation of variants in research participants for the purpose of population health screening. Participant phenotype was not available at the time of variant classification. Additional details can be found in publication PMID: 35346344, PMCID: PMC8962531

NM_174936.4(PCSK9):c.1375A>G (p.Thr459Ala)

Gene: PCSK9 (proprotein convertase subtilisin/kexin type 9; plus strand). Cytogenetic location: 1p32.3.
Variant type: single nucleotide variant.
Coding change: c.1375A>G on transcript NM_174936.4 (MANE Select); coding-DNA position 1375, A replaced by G.
Protein change: p.Thr459Ala; replaces threonine 459 with alanine.
Molecular consequence: missense variant. On other transcripts: non-coding transcript variant (8), intron variant (1).
Genome position (GRCh38, 1-based): chr1:55,058,519, A>G. VCF-style: chr1-55058519-A-G. GRCh37 (hg19) VCF-style: chr1-55524192-A-G.
Other names: c.1498A>G, p.Thr500Ala (NM_001407240.1); c.1375A>G, p.Thr459Ala (NM_001407241.1); c.1378A>G, p.Thr460Ala (NM_001407242.1); c.1318A>G, p.Thr440Ala (NM_001407243.1); c.1201A>G, p.Thr401Ala (NM_001407244.1); c.1183A>G, p.Thr395Ala (NM_001407245.1); c.1000A>G, p.Thr334Ala (NM_001407246.1); c.1180+1005A>G (NM_001407247.1); short protein forms T334A, T395A, T401A, T440A, T459A, T460A, T500A.
Identifiers: ClinVar variation 3070431 (VCV003070431.1), dbSNP rs2523262814, ClinGen allele CA340478611.